The following is an entry in ClinVar:

NM_007294.4(BRCA1):c.38del (p.Asn13fs)

Gene: BRCA1 (BRCA1 DNA repair associated; minus strand). Cytogenetic location: 17q21.31.
Variant type: Deletion.
Coding change: c.38del on transcript NM_007294.4 (MANE Select); coding-DNA position 38, one base deleted (A; older notation c.38delA).
Protein change: p.Asn13fs; shifts the reading frame from asparagine 13.
Molecular consequence: frameshift variant. On other transcripts: 5 prime UTR variant (136), intron variant (36).
Genome position (GRCh38, 1-based): chr17:43,124,059, T deleted on the plus strand (A on the coding strand, the reverse complement: BRCA1 is on the minus strand); the first of 4 consecutive T bases (chr17:43,124,059-43,124,062); deleting any one gives the same sequence. VCF-style (leftmost placement, unchanged base first): chr17-43124058-AT-A. GRCh37 (hg19) VCF-style: chr17-41276075-AT-A.
Other names: c.-223del (NM_001407748.1, NM_001407752.1, NM_001407838.1 and 22 more transcripts); c.-220del (NM_001407749.1, NM_001407842.1, NM_001407843.1 and 11 more transcripts); c.-50del (NM_001407750.1, NM_001407845.1, NM_001407698.1 and 23 more transcripts); c.-169del (NM_001407751.1, NM_001407726.1); c.-100del (NM_001407841.1); c.-249del (NM_001407846.1, NM_001407697.1, NM_001407920.1); c.-151del (NM_001407571.1, NM_001407853.1, NM_001407879.1 and 46 more transcripts); c.38del, p.Asn13fs (NM_001407581.1, NM_001407582.1, NM_001407583.1 and 192 more transcripts); and 24 more; short protein forms N13fs.
Identifiers: ClinVar variation 2774866 (VCV002774866.2), dbSNP rs2552278972, ClinGen allele CA2695226035.

ClinVar aggregate classification (germline): Pathogenic (1 of 4 stars; one submission).

Conditions:
Hereditary cancer-predisposing syndrome. Also called: Neoplastic Syndromes, Hereditary; Tumor predisposition; Hereditary Cancer Syndrome; Hereditary neoplastic syndrome. Identifiers: Orphanet 140162, MedGen C0027672, MeSH D009386, MONDO:0015356.

Submission:

Color Diagnostics, LLC DBA Color Health
Classification: Pathogenic for Hereditary cancer-predisposing syndrome. Last evaluated: 2022-08-29. Review status: criteria provided, single submitter. Criteria: ACMG Guidelines, 2015. Collection method: clinical testing. Allele origin: germline.
Comment: This variant deletes 1 nucleotide in exon 2 of the BRCA1 gene, creating a frameshift and premature translation stop signal. This variant is expected to result in an absent or non-functional protein product. To our knowledge, this variant has not been reported in individuals affected with hereditary cancer in the literature. This variant has not been identified in the general population by the Genome Aggregation Database (gnomAD). Loss of BRCA1 function is a known mechanism of disease. Based on the available evidence, this variant is classified as Pathogenic.